The following is an entry in ClinVar:

ClinVar aggregate classification (germline): Uncertain significance. Review status: criteria provided, multiple submitters, no conflicts (2 of 4 stars). 3 submissions from 3 submitters: Uncertain significance (3). Last evaluated 2025-04-12.

Conditions:
Hypercoagulability syndrome due to glycosylphosphatidylinositol deficiency (GPIBD1). Also called: GLYCOSYLPHOSPHATIDYLINOSITOL BIOSYNTHESIS DEFECT 1. Identifiers: Orphanet 83639, MedGen C5201145, MONDO:0012465, OMIM 610293.

Allele frequency attached by ClinVar (database versions not stated): gnomAD exomes 0.00006; ExAC 0.00008; 1000 Genomes Project 30x 0.00016; gnomAD 0.00019 and 0.00020; TOPMed 0.00019; 1000 Genomes Project 0.00020; ESP Exome Variant Server 0.00023.
gnomAD v4.1: 45 of 1,614,068 alleles (0.0028%); highest among the groups gnomAD compares: African/African-American, 0.052%; no homozygotes.

Submissions (3):

Labcorp Genetics (formerly Invitae), Labcorp
Classification: Uncertain significance for Hypercoagulability syndrome due to glycosylphosphatidylinositol deficiency. Last evaluated: 2025-04-12. Review status: criteria provided, single submitter. Criteria: Invitae Variant Classification Sherloc (09022015). Collection method: clinical testing. Allele origin: germline.
Comment: This sequence change replaces arginine, which is basic and polar, with glutamine, which is neutral and polar, at codon 41 of the PIGM protein (p.Arg41Gln). This variant is present in population databases (rs139936490, gnomAD 0.07%), and has an allele count higher than expected for a pathogenic variant. This variant has not been reported in the literature in individuals affected with PIGM-related conditions. ClinVar contains an entry for this variant (Variation ID: 426722). Invitae Evidence Modeling of protein sequence and biophysical properties (such as structural, functional, and spatial information, amino acid conservation, physicochemical variation, residue mobility, and thermodynamic stability) indicates that this missense variant is not expected to disrupt PIGM protein function with a negative predictive value of 80%. In summary, the available evidence is currently insufficient to determine the role of this variant in disease. Therefore, it has been classified as a Variant of Uncertain Significance.

GeneDx
Classification: Uncertain significance. Last evaluated: 2022-05-20. Review status: criteria provided, single submitter. Criteria: GeneDx Variant Classification Process June 2021. Collection method: clinical testing. Allele origin: germline. Affected: yes.
Comment: In silico analysis supports that this missense variant does not alter protein structure/function; Has not been previously published as pathogenic or benign to our knowledge

Ambry Genetics
Classification: Uncertain significance. Last evaluated: 2021-09-14. Review status: criteria provided, single submitter. Criteria: Ambry Variant Classification Scheme 2023. Collection method: clinical testing. Allele origin: germline.

NM_145167.3(PIGM):c.122G>A (p.Arg41Gln)

Gene: PIGM (phosphatidylinositol glycan anchor biosynthesis class M; minus strand). Cytogenetic location: 1q23.2.
Variant type: single nucleotide variant.
Coding change: c.122G>A on transcript NM_145167.3 (MANE Select); coding-DNA position 122, G replaced by A.
Protein change: p.Arg41Gln; replaces arginine 41 with glutamine.
Molecular consequence: missense variant.
Genome position (GRCh38, 1-based): chr1:160,031,618, C>T on the plus strand (G>A on the coding strand, the complement: PIGM is on the minus strand). VCF-style: chr1-160031618-C-T. GRCh37 (hg19) VCF-style: chr1-160001408-C-T.
Other names: short protein forms R41Q.
Identifiers: ClinVar variation 426722 (VCV000426722.9), dbSNP rs139936490, ClinGen allele CA1193116.